The following is an entry in ClinVar:

ClinVar aggregate classification (germline): Likely benign. Review status: criteria provided, multiple submitters, no conflicts (2 of 4 stars). 11 submissions from 7 submitters: Likely benign (11). Last evaluated 2025-10-22.

Conditions:
Dystonia 9 (DYT9). Also called: CHOREOATHETOSIS, KINESIGENIC, WITH EPISODIC ATAXIA AND SPASTICITY. Identifiers: Orphanet 53583, MedGen C1832855, MONDO:0010983, OMIM 601042.
Epilepsy, idiopathic generalized, susceptibility to, 12 (EIG12). Identifiers: MedGen C3553859, MONDO:0013919, OMIM 614847.
Childhood onset GLUT1 deficiency syndrome 2. Also called: PAROXYSMAL EXERCISE-INDUCED DYSKINESIA WITH OR WITHOUT EPILEPSY AND/OR HEMOLYTIC ANEMIA; PAROXYSMAL EXERTION-INDUCED DYSTONIA WITH OR WITHOUT EPILEPSY AND/OR HEMOLYTIC ANEMIA; PED WITH OR WITHOUT EPILEPSY AND/OR HEMOLYTIC ANEMIA; Paroxysmal exercise-induced dystonia; GLUT1 deficiency syndrome 2; PxMD-SLC2A1. Identifiers: Orphanet 98811, MedGen C1842534, MONDO:0012805, OMIM 612126.
Inborn genetic diseases. Identifiers: MedGen C0950123, MeSH D030342.
Hereditary cryohydrocytosis with reduced stomatin. Also called: GLUT1 DEFICIENCY SYNDROME WITH PSEUDOHYPERKALEMIA AND HEMOLYSIS; Stomatin-deficient cryohydrocytosis with neurologic defects. Identifiers: Orphanet 168577, MedGen C1837206, MONDO:0012143, OMIM 608885.
Encephalopathy due to GLUT1 deficiency. Also called: De Vivo disease; GLUT1 deficiency syndrome 1; Glucose transporter protein syndrome; GLUT1 deficiency syndrome 1, infantile onset, severe; GLUCOSE TRANSPORT DEFECT, BLOOD-BRAIN BARRIER; Classic Glucose Transporter Type 1 Deficiency Syndrome. Identifiers: Orphanet 71277, MedGen C4551966, MONDO:0011724, OMIM 606777.
GLUT1 deficiency syndrome 1, autosomal recessive. Identifiers: MedGen C3149117.

Allele frequency attached by ClinVar (database versions not stated): gnomAD exomes 0.00002 and 0.00003; gnomAD 0.00003 and 0.00004; TOPMed 0.00003.
gnomAD v4.1: 51 of 1,614,004 alleles (0.0032%); highest among the groups gnomAD compares: African/African-American, 0.004%; no homozygotes.

Submissions (11):

Labcorp Genetics (formerly Invitae), Labcorp
Classification: Likely benign for GLUT1 deficiency syndrome 1, autosomal recessive. Last evaluated: 2025-10-22. Review status: criteria provided, single submitter. Criteria: Invitae Variant Classification Sherloc (09022015). Collection method: clinical testing. Allele origin: germline.

Mayo Clinic Laboratories, Mayo Clinic
Classification: Likely benign. Last evaluated: 2025-05-06. Review status: criteria provided, single submitter. Criteria: ACMG Guidelines, 2015. Collection method: clinical testing. Allele origin: germline. Observed: 1 variant allele.
Comment: BP4, BP7

CeGaT Center for Human Genetics Tuebingen
Classification: Likely benign. Last evaluated: 2023-10-01. Review status: criteria provided, single submitter. Criteria: CeGaT Center For Human Genetics Tuebingen Variant Classification Criteria Version 2. Collection method: clinical testing. Allele origin: germline. Affected: yes. Observed: 2 variant alleles.
Comment: SLC2A1: BP4, BP7

Genome-Nilou Lab
Classification: Likely benign for Epilepsy, idiopathic generalized, susceptibility to, 12. Last evaluated: 2023-04-11. Review status: criteria provided, single submitter. Criteria: ACMG Guidelines, 2015. Collection method: clinical testing. Allele origin: germline. Affected: no.

Genome-Nilou Lab
Classification: Likely benign for Dystonia 9. Last evaluated: 2023-04-11. Review status: criteria provided, single submitter. Criteria: ACMG Guidelines, 2015. Collection method: clinical testing. Allele origin: germline. Affected: no.

Genome-Nilou Lab
Classification: Likely benign for Encephalopathy due to GLUT1 deficiency. Last evaluated: 2023-04-11. Review status: criteria provided, single submitter. Criteria: ACMG Guidelines, 2015. Collection method: clinical testing. Allele origin: germline. Affected: no.

Genome-Nilou Lab
Classification: Likely benign for Childhood onset GLUT1 deficiency syndrome 2. Last evaluated: 2023-04-11. Review status: criteria provided, single submitter. Criteria: ACMG Guidelines, 2015. Collection method: clinical testing. Allele origin: germline. Affected: no.

Genome-Nilou Lab
Classification: Likely benign for Hereditary cryohydrocytosis with reduced stomatin. Last evaluated: 2023-04-11. Review status: criteria provided, single submitter. Criteria: ACMG Guidelines, 2015. Collection method: clinical testing. Allele origin: germline. Affected: no.

GeneDx
Classification: Likely benign. Last evaluated: 2020-10-06. Review status: criteria provided, single submitter. Criteria: GeneDx Variant Classification Process June 2021. Collection method: clinical testing. Allele origin: germline. Affected: yes.

Ambry Genetics
Classification: Likely benign for Inborn genetic diseases. Last evaluated: 2019-01-08. Review status: criteria provided, single submitter. Criteria: Ambry Variant Classification Scheme 2023. Collection method: clinical testing. Allele origin: germline.

Genetic Services Laboratory, University of Chicago
Classification: Likely benign. Last evaluated: 2016-01-08. Review status: criteria provided, single submitter. Criteria: ACMG Guidelines, 2015. Collection method: clinical testing. Allele origin: germline. Affected: no.

NM_006516.4(SLC2A1):c.180G>A (p.Thr60=)

Gene: SLC2A1 (solute carrier family 2 member 1; minus strand). Cytogenetic location: 1p34.2.
Variant type: single nucleotide variant.
Coding change: c.180G>A on transcript NM_006516.4 (MANE Select); coding-DNA position 180, G replaced by A.
Protein change: p.Thr60=; no amino-acid change (threonine 60 retained).
Molecular consequence: synonymous variant.
Genome position (GRCh38, 1-based): chr1:42,931,141, C>T on the plus strand (G>A on the coding strand, the complement: SLC2A1 is on the minus strand). VCF-style: chr1-42931141-C-T. GRCh37 (hg19) VCF-style: chr1-43396812-C-T.
Other names: p.Thr60=; c.180G>A (NM_006516.3).
Identifiers: ClinVar variation 436751 (VCV000436751.59), dbSNP rs780638574, ClinGen allele CA21252484.